The following is an entry in ClinVar:

NM_004360.5(CDH1):c.2597G>A (p.Gly866Asp)

Gene: CDH1 (cadherin 1; plus strand). Cytogenetic location: 16q22.1.
Variant type: single nucleotide variant.
Coding change: c.2597G>A on transcript NM_004360.5 (MANE Select); coding-DNA position 2597, G replaced by A.
Protein change: p.Gly866Asp; replaces glycine 866 with aspartic acid.
Molecular consequence: missense variant.
Genome position (GRCh38, 1-based): chr16:68,833,447, G>A. VCF-style: chr16-68833447-G-A. GRCh37 (hg19) VCF-style: chr16-68867350-G-A.
Other names: c.2414G>A, p.Gly805Asp (NM_001317184.2); c.1049G>A, p.Gly350Asp (NM_001317185.2); c.632G>A, p.Gly211Asp (NM_001317186.2); short protein forms G211D, G350D, G805D, G866D.
Identifiers: ClinVar variation 1217465 (VCV001217465.13), dbSNP rs1410318220, ClinGen allele CA396472641.

ClinVar aggregate classification (germline): Uncertain significance. Review status: criteria provided, multiple submitters, no conflicts (2 of 4 stars). 3 submissions from 3 submitters: Uncertain significance (3). Last evaluated 2026-07-08.

Conditions:
Hereditary cancer-predisposing syndrome. Also called: Neoplastic Syndromes, Hereditary; Tumor predisposition; Hereditary Cancer Syndrome; Hereditary neoplastic syndrome. Identifiers: Orphanet 140162, MedGen C0027672, MeSH D009386, MONDO:0015356.
Hereditary diffuse gastric adenocarcinoma (HDGC). Also called: DIFFUSE GASTRIC AND LOBULAR BREAST CANCER SYNDROME. Identifiers: Orphanet 26106, MedGen C1708349, MONDO:0007648, OMIM 137215.

Allele frequency attached by ClinVar (database versions not stated): gnomAD exomes below 0.00001.
gnomAD v4.1: 2 of 1,614,146 alleles (0.00012%); highest among the groups gnomAD compares: Admixed American, 0.0017%; no homozygotes.

Submissions (3):

Ambry Genetics
Classification: Uncertain significance for Hereditary cancer-predisposing syndrome. Last evaluated: 2026-07-08. Review status: criteria provided, single submitter. Criteria: Ambry Variant Classification Scheme 2023. Collection method: clinical testing. Allele origin: germline.
Comment: The p.G866D variant (also known as c.2597G>A), located in coding exon 16 of the CDH1 gene, results from a G to A substitution at nucleotide position 2597. The glycine at codon 866 is replaced by aspartic acid, an amino acid with similar properties. This amino acid position is highly conserved in available vertebrate species. In addition, this alteration is predicted to be deleterious by in silico analysis. Based on the available evidence, the clinical significance of this variant remains unclear.

GeneDx
Classification: Uncertain significance. Last evaluated: 2024-03-17. Review status: criteria provided, single submitter. Criteria: GeneDx Variant Classification Process June 2021. Collection method: clinical testing. Allele origin: germline. Affected: yes.
Comment: Not observed at significant frequency in large population cohorts (gnomAD); In silico analysis supports that this missense variant has a deleterious effect on protein structure/function; Has not been previously published as pathogenic or benign to our knowledge; This variant is associated with the following publications: (PMID: 15235021, 22850631)

Labcorp Genetics (formerly Invitae), Labcorp
Classification: Uncertain significance for Hereditary diffuse gastric adenocarcinoma. Last evaluated: 2023-11-17. Review status: criteria provided, single submitter. Criteria: Invitae Variant Classification Sherloc (09022015). Collection method: clinical testing. Allele origin: germline.
Comment: This sequence change replaces glycine, which is neutral and non-polar, with aspartic acid, which is acidic and polar, at codon 866 of the CDH1 protein (p.Gly866Asp). This variant is present in population databases (no rsID available, gnomAD 0.003%). This variant has not been reported in the literature in individuals affected with CDH1-related conditions. ClinVar contains an entry for this variant (Variation ID: 1217465). An algorithm developed to predict the effect of missense changes on protein structure and function (PolyPhen-2) suggests that this variant is likely to be disruptive. In summary, the available evidence is currently insufficient to determine the role of this variant in disease. Therefore, it has been classified as a Variant of Uncertain Significance.